The following is an entry in ClinVar:

NM_014000.3(VCL):c.1147A>G (p.Ser383Gly)

Gene: VCL (vinculin; plus strand). Cytogenetic location: 10q22.2.
Variant type: single nucleotide variant.
Coding change: c.1147A>G on transcript NM_014000.3 (MANE Select); coding-DNA position 1147, A replaced by G.
Protein change: p.Ser383Gly; replaces serine 383 with glycine.
Molecular consequence: missense variant.
Genome position (GRCh38, 1-based): chr10:74,089,320, A>G. VCF-style: chr10-74089320-A-G. GRCh37 (hg19) VCF-style: chr10-75849078-A-G.
Other names: c.1147A>G, p.Ser383Gly (NM_003373.4); short protein forms S383G.
Identifiers: ClinVar variation 936570 (VCV000936570.11), dbSNP rs1444969965, ClinGen allele CA377272837.

ClinVar aggregate classification (germline): Uncertain significance. Review status: criteria provided, multiple submitters, no conflicts (2 of 4 stars). 2 submissions from 2 submitters: Uncertain significance (2). Last evaluated 2025-10-29.

Conditions:
Dilated cardiomyopathy 1W (CMD1W). Identifiers: Orphanet 154, MedGen C1969639, MONDO:0012667, OMIM 611407.
Cardiovascular phenotype. Identifiers: MedGen CN230736.

Allele frequency attached by ClinVar (database versions not stated): TOPMed below 0.00001; gnomAD 0.00001.
gnomAD v4.1: 1 of 1,614,058 alleles (0.000062%); highest among the groups gnomAD compares: Non-Finnish European, 0.000085%; no homozygotes.

Submissions (2):

Labcorp Genetics (formerly Invitae), Labcorp
Classification: Uncertain significance for Dilated cardiomyopathy 1W. Last evaluated: 2025-10-29. Review status: criteria provided, single submitter. Criteria: Invitae Variant Classification Sherloc (09022015). Collection method: clinical testing. Allele origin: germline.
Comment: This sequence change replaces serine, which is neutral and polar, with glycine, which is neutral and non-polar, at codon 383 of the VCL protein (p.Ser383Gly). This variant is present in population databases (no rsID available, gnomAD 0.007%). This variant has not been reported in the literature in individuals affected with VCL-related conditions. ClinVar contains an entry for this variant (Variation ID: 936570). An algorithm developed to predict the effect of missense changes on protein structure and function (PolyPhen-2) suggests that this variant is likely to be tolerated. In summary, the available evidence is currently insufficient to determine the role of this variant in disease. Therefore, it has been classified as a Variant of Uncertain Significance.

Ambry Genetics
Classification: Uncertain significance for Cardiovascular phenotype. Last evaluated: 2021-06-08. Review status: criteria provided, single submitter. Criteria: Ambry Variant Classification Scheme 2023. Collection method: clinical testing. Allele origin: germline.
Comment: The p.S383G variant (also known as c.1147A>G), located in coding exon 9 of the VCL gene, results from an A to G substitution at nucleotide position 1147. The serine at codon 383 is replaced by glycine, an amino acid with similar properties. This amino acid position is not well conserved in available vertebrate species. In addition, this alteration is predicted to be tolerated by in silico analysis. Since supporting evidence is limited at this time, the clinical significance of this alteration remains unclear.